The following is an entry in ClinVar:

ClinVar aggregate classification (germline): Benign (1 of 4 stars; one submission).

Conditions:
Leukoencephalopathy-thalamus and brainstem anomalies-high lactate syndrome. Also called: LEUKOENCEPHALOPATHY WITH THALAMUS AND BRAINSTEM INVOLVEMENT AND HIGH LACTATE; Combined oxidative phosphorylation deficiency 12. Identifiers: Orphanet 314051, MedGen C4706421, MONDO:0013971, OMIM 614924.

Allele frequency attached by ClinVar (database versions not stated): gnomAD 0.01468 and 0.01473; 1000 Genomes Project 0.01498; 1000 Genomes Project 30x 0.01546; TOPMed 0.01577.

Submission:

Illumina Laboratory Services, Illumina
Classification: Benign for Leukoencephalopathy-thalamus and brainstem anomalies-high lactate syndrome. Last evaluated: 2018-01-13. Review status: criteria provided, single submitter. Criteria: ICSL Variant Classification Criteria 13 December 2019. Collection method: clinical testing. Allele origin: germline.
Comment: This variant was observed in the ICSL laboratory as part of a predisposition screen in an ostensibly healthy population. It had not been previously curated by ICSL or reported in the Human Gene Mutation Database (HGMD: prior to June 1st, 2018), and was therefore a candidate for classification through an automated scoring system. Utilizing variant allele frequency, disease prevalence and penetrance estimates, and inheritance mode, an automated score was calculated to assess if this variant is too frequent to cause the disease. Based on the score and internal cut-off values, a variant classified as benign is not then subjected to further curation. The score for this variant resulted in a classification of benign for this disease.

NM_001083614.2(EARS2):c.*1388C>T

Genes: EARS2 (glutamyl-tRNA synthetase 2, mitochondrial; minus strand), GGA2 (golgi associated, gamma adaptin ear containing, ARF binding protein 2; minus strand). Cytogenetic location: 16p12.2.
Variant type: single nucleotide variant.
Coding change: c.*1388C>T on transcript NM_001083614.2 (MANE Select); 1388 bases downstream of the stop codon, C replaced by T.
Molecular consequence: 3 prime UTR variant. On other transcripts: non-coding transcript variant (1).
Genome position (GRCh38, 1-based): chr16:23,522,983, G>A on the plus strand (C>T on the coding strand, the complement: EARS2 is on the minus strand). VCF-style: chr16-23522983-G-A. GRCh37 (hg19) VCF-style: chr16-23534304-G-A.
Identifiers: ClinVar variation 318521 (VCV000318521.5), dbSNP rs11864511, ClinGen allele CA10648153.
Genomic context (GRCh38, chr16:23,522,983, plus strand): 5'-GCCTCGATCCCTTGTCATGTGGAGCACTCCATAAGGCTGCTTGAGTATTTTCATGACCTG[G>A]AAGCTGGCTTCCCCCAAAGTAAGCGATCAAAGAAAACAAGACAGAAGCCACGATGTATTT-3'